The following is an entry in ClinVar:

ClinVar aggregate classification (germline): Pathogenic (1 of 4 stars; one submission).

Conditions:
Neurofibromatosis, type 2 (SWNV). Also called: BILATERAL ACOUSTIC NEUROFIBROMATOSIS; SCHWANNOMATOSIS, VESTIBULAR; NF2-Related Schwannomatosis. Identifiers: Orphanet 637, MedGen C0027832, MONDO:0007039, OMIM 101000. Disease mechanism: loss of function.

Submission:

Foundation for Research in Genetics and Endocrinology, FRIGE's Institute of Human Genetics
Classification: Pathogenic for Neurofibromatosis, type 2. Last evaluated: 2020-03-18. Review status: criteria provided, single submitter. Criteria: ACMG Guidelines, 2015. Collection method: clinical testing. Allele origin: germline. Inheritance: Autosomal dominant inheritance. Affected: yes. Observed: 1 heterozygote.
Comment: A heterozygous nonsense variation in exon 9 of the NF2 gene that results in a stop codon and premature truncation of the protein at codon 288 was detected. The observed variant c.863C>G (p.Ser288Ter) has not been reported in the 1000 Genomes and ExAC databases. Loss of NF2 protein function is known to cause pathogenesis (McKusick , 1998). The reference codon is conserved across species. In summary, the variant meets our criteria to be classified as pathogenic.

NM_000268.4(NF2):c.863C>G (p.Ser288Ter)

Gene: NF2 (NF2, moesin-ezrin-radixin like (MERLIN) tumor suppressor; plus strand). Cytogenetic location: 22q12.2.
Variant type: single nucleotide variant.
Coding change: c.863C>G on transcript NM_000268.4 (MANE Select); coding-DNA position 863, C replaced by G.
Protein change: p.Ser288Ter; replaces serine 288 with a stop codon.
Molecular consequence: nonsense. On other transcripts: non-coding transcript variant (1), intron variant (1).
Genome position (GRCh38, 1-based): chr22:29,665,042, C>G. VCF-style: chr22-29665042-C-G. GRCh37 (hg19) VCF-style: chr22-30061031-C-G.
Other names: c.863C>G, p.Ser288Ter (NM_016418.5, NM_181825.3, NM_181832.3); c.737C>G, p.Ser246Ter (NM_181828.3); c.740C>G, p.Ser247Ter (NM_181829.3); c.614C>G, p.Ser205Ter (NM_181830.3, NM_181831.3); c.447+22757C>G (NM_181833.3); short protein forms S205*, S288*, S246*, S247*.
Identifiers: ClinVar variation 870602 (VCV000870602.3), dbSNP rs2066580454, ClinGen allele CA411144731.
Genomic context (GRCh38, chr22:29,665,042, plus strand): 5'-TCTTCCAGTTTACTATTAAACCACTGGATAAGAAAATTGATGTCTTCAAGTTTAACTCCT[C>G]AAAGCTTCGTGTTAATAAGCTGGTAAGTTGAGATCCTGGTTTTCATTACTGATAATGGTA-3'